The following is an entry in ClinVar:

NM_001378778.1(MPDZ):c.4557+1G>A

Gene: MPDZ (multiple PDZ domain crumbs cell polarity complex component; minus strand). Cytogenetic location: 9p23.
Variant type: single nucleotide variant.
Coding change: c.4557+1G>A on transcript NM_001378778.1 (MANE Select); the canonical splice donor site of the intron after coding-DNA position 4557, G replaced by A.
Molecular consequence: splice donor variant.
Genome position (GRCh38, 1-based): chr9:13,126,679, C>T on the plus strand (G>A on the coding strand, the complement: MPDZ is on the minus strand). VCF-style: chr9-13126679-C-T. GRCh37 (hg19) VCF-style: chr9-13126678-C-T.
Other names: c.4347+1G>A (NM_001375425.1, NM_001375420.1, NM_001375423.1 and 4 more transcripts); c.4458+1G>A (NM_001375419.1, NM_001375416.1, NM_001375418.1 and 3 more transcripts); c.4557+1G>A (NM_001330637.2, NM_003829.5); c.4149+1G>A (NM_001375427.1); c.4656+1G>A (NM_001375413.1).
Identifiers: ClinVar variation 1490057 (VCV001490057.8), dbSNP rs1440521229, ClinGen allele CA372947048.
Genomic context (GRCh38, chr9:13,126,679, plus strand): 5'-GATATTCCAAAAGTAATTCCCTCCCCAACTACTTAATGACAGCAAGAAAGGTAAACCTCA[C>T]CGTGGCTGCTACCCCATGCTCTGTTAAGCTCTTTATGATGACTCCACTGAGTGTATCTTC-3'

ClinVar aggregate classification (germline): Likely pathogenic (1 of 4 stars; one submission).

Allele frequency attached by ClinVar (database versions not stated): gnomAD exomes below 0.00001; TOPMed below 0.00001; gnomAD 0.00001.
gnomAD v4.1: 7 of 1,613,412 alleles (0.00043%); highest among the groups gnomAD compares: Admixed American, 0.0067%; no homozygotes.

Submission:

Labcorp Genetics (formerly Invitae), Labcorp
Classification: Likely pathogenic. Last evaluated: 2022-09-01. Review status: criteria provided, single submitter. Criteria: Invitae Variant Classification Sherloc (09022015). Collection method: clinical testing. Allele origin: germline.
Comment: In summary, the currently available evidence indicates that the variant is pathogenic, but additional data are needed to prove that conclusively. Therefore, this variant has been classified as Likely Pathogenic. Algorithms developed to predict the effect of sequence changes on RNA splicing suggest that this variant may disrupt the consensus splice site. ClinVar contains an entry for this variant (Variation ID: 1490057). This variant has not been observed in the literature in individuals with autosomal recessive MPDZ-related conditions. This variant has been reported in individual(s) with autosomal dominant retinitis pigmentosa (Invitae); however, the role of the variant in this condition is currently unclear. This variant is present in population databases (no rsID available, gnomAD 0.003%). This sequence change affects a donor splice site in intron 33 of the MPDZ gene. It is expected to disrupt RNA splicing. Variants that disrupt the donor or acceptor splice site typically lead to a loss of protein function (PMID: 16199547), and loss-of-function variants in MPDZ are known to be pathogenic (PMID: 23240096, 28556411).

Literature cited by the submitters: PubMed 16199547; PubMed 23240096; PubMed 28556411.